The following is an entry in ClinVar:

NM_022336.4(EDAR):c.*1900C>T

Genes: EDAR (ectodysplasin A receptor; minus strand), RANBP2 (RAN binding protein 2; plus strand). Cytogenetic location: 2q13.
Variant type: single nucleotide variant.
Coding change: c.*1900C>T on transcript NM_022336.4 (MANE Select); 1900 bases downstream of the stop codon, C replaced by T.
Molecular consequence: 3 prime UTR variant.
Genome position (GRCh38, 1-based): chr2:108,895,007, G>A on the plus strand (C>T on the coding strand, the complement: EDAR is on the minus strand). VCF-style: chr2-108895007-G-A. GRCh37 (hg19) VCF-style: chr2-109511463-G-A.
Identifiers: ClinVar variation 330685 (VCV000330685.6), dbSNP rs200762071, ClinGen allele CA10610552.

ClinVar aggregate classification (germline): Benign (1 of 4 stars; one submission).

Conditions:
Hypohidrotic ectodermal dysplasia (HED). Identifiers: Orphanet 238468, MedGen C5848103, MONDO:0016535, HP:0007607.

Allele frequency attached by ClinVar (database versions not stated): 1000 Genomes Project 30x 0.03264; gnomAD 0.03161 and 0.02942; 1000 Genomes Project 0.02935; TOPMed 0.03262.

Submission:

Illumina Laboratory Services, Illumina
Classification: Benign for Hypohidrotic ectodermal dysplasia. Last evaluated: 2018-01-13. Review status: criteria provided, single submitter. Criteria: ICSL Variant Classification Criteria 13 December 2019. Collection method: clinical testing. Allele origin: germline.
Comment: This variant was observed in the ICSL laboratory as part of a predisposition screen in an ostensibly healthy population. It had not been previously curated by ICSL or reported in the Human Gene Mutation Database (HGMD: prior to June 1st, 2018), and was therefore a candidate for classification through an automated scoring system. Utilizing variant allele frequency, disease prevalence and penetrance estimates, and inheritance mode, an automated score was calculated to assess if this variant is too frequent to cause the disease. Based on the score and internal cut-off values, a variant classified as benign is not then subjected to further curation. The score for this variant resulted in a classification of benign for this disease.